The following is an entry in ClinVar:

ClinVar aggregate classification (germline): Uncertain significance. Review status: criteria provided, multiple submitters, no conflicts (2 of 4 stars). 2 submissions from 2 submitters: Uncertain significance (2). Last evaluated 2025-06-24.

Conditions:
Autosomal recessive polycystic kidney disease (ARPKD). Also called: AR polycystic kidney disease. Identifiers: Orphanet 731, Orphanet 8378, MedGen C0085548, MeSH D017044, MONDO:0009889.

Allele frequency attached by ClinVar (database versions not stated): TOPMed 0.00001; ExAC 0.00003.
gnomAD v4.1: 25 of 1,613,506 alleles (0.0015%); highest among the groups gnomAD compares: East Asian, 0.0022%; no homozygotes.

Submissions (2):

GeneDx
Classification: Uncertain significance. Last evaluated: 2025-06-24. Review status: criteria provided, single submitter. Criteria: GeneDx Variant Classification Process June 2021. Collection method: clinical testing. Allele origin: germline. Affected: yes.
Comment: Not observed at significant frequency in large population cohorts (gnomAD); In silico analysis supports that this missense variant has a deleterious effect on protein structure/function; Has not been previously published as pathogenic or benign to our knowledge

Labcorp Genetics (formerly Invitae), Labcorp
Classification: Uncertain significance for Autosomal recessive polycystic kidney disease. Last evaluated: 2022-08-21. Review status: criteria provided, single submitter. Criteria: Invitae Variant Classification Sherloc (09022015). Collection method: clinical testing. Allele origin: germline.
Comment: This sequence change replaces proline, which is neutral and non-polar, with serine, which is neutral and polar, at codon 914 of the PKHD1 protein (p.Pro914Ser). This variant is present in population databases (rs774766928, gnomAD 0.009%). This variant has not been reported in the literature in individuals affected with PKHD1-related conditions. Advanced modeling of protein sequence and biophysical properties (such as structural, functional, and spatial information, amino acid conservation, physicochemical variation, residue mobility, and thermodynamic stability) performed at Invitae indicates that this missense variant is expected to disrupt PKHD1 protein function. In summary, the available evidence is currently insufficient to determine the role of this variant in disease. Therefore, it has been classified as a Variant of Uncertain Significance.

NM_138694.4(PKHD1):c.2740C>T (p.Pro914Ser)

Gene: PKHD1 (PKHD1 ciliary IPT domain containing fibrocystin/polyductin; minus strand). Cytogenetic location: 6p12.2.
Variant type: single nucleotide variant.
Coding change: c.2740C>T on transcript NM_138694.4 (MANE Select); coding-DNA position 2740, C replaced by T.
Protein change: p.Pro914Ser; replaces proline 914 with serine.
Molecular consequence: missense variant.
Genome position (GRCh38, 1-based): chr6:52,043,706, G>A on the plus strand (C>T on the coding strand, the complement: PKHD1 is on the minus strand). VCF-style: chr6-52043706-G-A. GRCh37 (hg19) VCF-style: chr6-51908504-G-A.
Other names: c.2740C>T (NM_138694.3); c.2740C>T, p.Pro914Ser (NM_170724.3); short protein forms P914S.
Identifiers: ClinVar variation 2147285 (VCV002147285.2), dbSNP rs774766928, ClinGen allele CA3853124.
Genomic context (GRCh38, chr6:52,043,706, plus strand): 5'-GGACACAGGGAGTTGACCCTTGGAGGTACTGGAAAGAGCAGGAACCTGGGCAATGAGCTG[G>A]TACATCATTCACTCGCACAACCACCTGAAATGAGGCAAAATTTCTTTTCCATTTTATGCA-3'
Protein context (NP_619639.3, residues 904-924): TQVVVRVNDV[Pro914Ser]AHCPGSCSFQ